The following is an entry in ClinVar:

NM_002972.4(SBF1):c.290G>A (p.Arg97His)

Gene: SBF1 (SET binding factor 1; minus strand). Cytogenetic location: 22q13.33.
Variant type: single nucleotide variant.
Coding change: c.290G>A on transcript NM_002972.4 (MANE Select); coding-DNA position 290, G replaced by A.
Protein change: p.Arg97His; replaces arginine 97 with histidine.
Molecular consequence: missense variant.
Genome position (GRCh38, 1-based): chr22:50,467,680, C>T on the plus strand (G>A on the coding strand, the complement: SBF1 is on the minus strand). VCF-style: chr22-50467680-C-T. GRCh37 (hg19) VCF-style: chr22-50906109-C-T.
Other names: c.293G>A, p.Arg98His (NM_001365819.1, NM_001410794.1); c.290G>A, p.Arg97His (NM_001410795.1); short protein forms R97H, R98H.
Identifiers: ClinVar variation 3351218 (VCV003351218.2).

ClinVar aggregate classification (germline): Uncertain significance. Review status: criteria provided, single submitter (1 of 4 stars). 2 submissions from 2 submitters: Uncertain significance (1). 1 of the submissions does not count toward it. Last evaluated 2024-12-16.

Conditions:
SBF1-related disorder. Also called: SBF1-related condition.

Submissions (2):

Labcorp Genetics (formerly Invitae), Labcorp
Classification: Uncertain significance. Last evaluated: 2024-12-16. Review status: criteria provided, single submitter. Criteria: Invitae Variant Classification Sherloc (09022015). Collection method: clinical testing. Allele origin: germline.
Comment: This sequence change replaces arginine, which is basic and polar, with histidine, which is basic and polar, at codon 97 of the SBF1 protein (p.Arg97His). This variant is present in population databases (rs769121197, gnomAD 0.008%). This variant has not been reported in the literature in individuals affected with SBF1-related conditions. Invitae Evidence Modeling of protein sequence and biophysical properties (such as structural, functional, and spatial information, amino acid conservation, physicochemical variation, residue mobility, and thermodynamic stability) indicates that this missense variant is not expected to disrupt SBF1 protein function with a negative predictive value of 80%. In summary, the available evidence is currently insufficient to determine the role of this variant in disease. Therefore, it has been classified as a Variant of Uncertain Significance.

PreventionGenetics, part of Exact Sciences
Classification: Uncertain significance for SBF1-related condition. Last evaluated: 2024-08-21. Review status: no assertion criteria provided. Collection method: clinical testing. Allele origin: germline. Not counted in ClinVar's aggregate classification.
Comment: The SBF1 c.290G>A variant is predicted to result in the amino acid substitution p.Arg97His. To our knowledge, this variant has not been reported in the literature. This variant is reported in 0.0083% of alleles in individuals of African descent in gnomAD. At this time, the clinical significance of this variant is uncertain due to the absence of conclusive functional and genetic evidence.